The following is an entry in ClinVar:

ClinVar aggregate classification (germline): Uncertain significance (1 of 4 stars; one submission).

Conditions:
Autosomal dominant limb-girdle muscular dystrophy type 1F (LGMDD2). Also called: Limb-girdle muscular dystrophy, type 1F; MUSCULAR DYSTROPHY, LIMB-GIRDLE, AUTOSOMAL DOMINANT 2. Identifiers: Orphanet 55595, MedGen C1842062, MONDO:0012034, OMIM 608423.

Submission:

Labcorp Genetics (formerly Invitae), Labcorp
Classification: Uncertain significance for Autosomal dominant limb-girdle muscular dystrophy type 1F. Last evaluated: 2025-05-05. Review status: criteria provided, single submitter. Criteria: Invitae Variant Classification Sherloc (09022015). Collection method: clinical testing. Allele origin: germline.
Comment: This sequence change replaces alanine, which is neutral and non-polar, with serine, which is neutral and polar, at codon 64 of the TNPO3 protein (p.Ala64Ser). This variant is not present in population databases (gnomAD no frequency). This variant has not been reported in the literature in individuals affected with TNPO3-related conditions. Invitae Evidence Modeling of protein sequence and biophysical properties (such as structural, functional, and spatial information, amino acid conservation, physicochemical variation, residue mobility, and thermodynamic stability) indicates that this missense variant is not expected to disrupt TNPO3 protein function with a negative predictive value of 80%. In summary, the available evidence is currently insufficient to determine the role of this variant in disease. Therefore, it has been classified as a Variant of Uncertain Significance.

NM_012470.4(TNPO3):c.190G>T (p.Ala64Ser)

Gene: TNPO3 (transportin 3; minus strand). Cytogenetic location: 7q32.1.
Variant type: single nucleotide variant.
Coding change: c.190G>T on transcript NM_012470.4 (MANE Select); coding-DNA position 190, G replaced by T.
Protein change: p.Ala64Ser; replaces alanine 64 with serine.
Molecular consequence: missense variant. On other transcripts: non-coding transcript variant (18).
Genome position (GRCh38, 1-based): chr7:129,018,088, C>A on the plus strand (G>T on the coding strand, the complement: TNPO3 is on the minus strand). VCF-style: chr7-129018088-C-A. GRCh37 (hg19) VCF-style: chr7-128658142-C-A.
Other names: c.190G>T, p.Ala64Ser (NM_001191028.3, NM_001382216.1, NM_001382217.1 and 6 more transcripts); short protein forms A64S.
Identifiers: ClinVar variation 4707654 (VCV004707654.1).